The following is an entry in ClinVar:

NM_014991.6(WDFY3):c.787A>T (p.Thr263Ser)

Gene: WDFY3 (WD repeat and FYVE domain containing 3; minus strand). Cytogenetic location: 4q21.23.
Variant type: single nucleotide variant.
Coding change: c.787A>T on transcript NM_014991.6 (MANE Select); coding-DNA position 787, A replaced by T.
Protein change: p.Thr263Ser; replaces threonine 263 with serine.
Molecular consequence: missense variant.
Genome position (GRCh38, 1-based): chr4:84,829,173, T>A on the plus strand (A>T on the coding strand, the complement: WDFY3 is on the minus strand). VCF-style: chr4-84829173-T-A. GRCh37 (hg19) VCF-style: chr4-85750326-T-A.
Other names: short protein forms T263S.
Identifiers: ClinVar variation 1809863 (VCV001809863.1), dbSNP rs1755297514, ClinGen allele CA357540849.

ClinVar aggregate classification (germline): Uncertain significance (1 of 4 stars; one submission).

Allele frequency attached by ClinVar (database versions not stated): gnomAD exomes 0.00001.
gnomAD v4.1: 5 of 1,590,548 alleles (0.00031%); highest among the groups gnomAD compares: Non-Finnish European, 0.00043%; no homozygotes.

Submission:

GeneDx
Classification: Uncertain significance. Last evaluated: 2022-06-28. Review status: criteria provided, single submitter. Criteria: GeneDx Variant Classification Process June 2021. Collection method: clinical testing. Allele origin: germline. Affected: yes.
Comment: Not observed at significant frequency in large population cohorts (gnomAD); In silico analysis supports that this missense variant does not alter protein structure/function; Has not been previously published as pathogenic or benign to our knowledge